The following is an entry in ClinVar:

NM_001034116.2(EIF2B4):c.1392A>G (p.Gln464=)

Genes: GTF3C2-AS2 (GTF3C2 antisense RNA 2; plus strand), EIF2B4 (eukaryotic translation initiation factor 2B subunit delta; minus strand). Cytogenetic location: 2p23.3.
Variant type: single nucleotide variant.
Coding change: c.1392A>G on transcript NM_001034116.2 (MANE Select); coding-DNA position 1392, A replaced by G.
Protein change: p.Gln464=; no amino-acid change (glutamine 464 retained).
Molecular consequence: synonymous variant.
Genome position (GRCh38, 1-based): chr2:27,364,580, T>C on the plus strand (A>G on the coding strand, the complement: EIF2B4 is on the minus strand). VCF-style: chr2-27364580-T-C. GRCh37 (hg19) VCF-style: chr2-27587447-T-C.
Other names: p.Gln463=; c.1392A>G (NM_001034116.1); c.1455A>G, p.Gln485= (NM_001318965.2); c.1347A>G, p.Gln449= (NM_001318966.2); c.1299A>G, p.Gln433= (NM_001318967.2); c.807A>G, p.Gln269= (NM_001318968.2); c.774A>G, p.Gln258= (NM_001318969.2); c.1389A>G, p.Gln463= (NM_015636.4); and 1 more.
Identifiers: ClinVar variation 335532 (VCV000335532.49), dbSNP rs148810263, ClinGen allele CA1576580.

ClinVar aggregate classification (germline): Benign/Likely benign. Review status: criteria provided, multiple submitters, no conflicts (2 of 4 stars). 7 submissions from 7 submitters: Benign (3); Likely benign (3). 1 of the submissions does not count toward it. Last evaluated 2026-09-01.

Conditions:
EIF2B4-related disorder. Also called: EIF2B4-related condition.
Vanishing white matter disease. Also called: CACH syndrome; Childhood ataxia with diffuse central nervous system hypomyelination; Leukoencephalopathy with vanishing white matter; CACH/VWM syndrome; Cree leukoencehalopathy. Identifiers: Orphanet 135, Orphanet 99853, MedGen C1858991, MONDO:0800448.

Allele frequency attached by ClinVar (database versions not stated): 1000 Genomes Project 30x 0.00219; ESP Exome Variant Server 0.00231; 1000 Genomes Project 0.00240; TOPMed 0.00264; gnomAD 0.00391 and 0.00399; ExAC 0.00393; gnomAD exomes 0.00395 and 0.00405.
gnomAD v4.1: 6,466 of 1,614,238 alleles (0.4%); highest among the groups gnomAD compares: Non-Finnish European, 0.42%; 18 homozygotes.

Submissions (7):

CeGaT Center for Human Genetics Tuebingen
Classification: Likely benign. Last evaluated: 2026-09-01. Review status: criteria provided, single submitter. Criteria: CeGaT Center For Human Genetics Tuebingen Variant Classification Criteria Version 2. Collection method: clinical testing. Allele origin: germline. Affected: yes. Observed: 18 variant alleles.
Comment: EIF2B4: BP4, BP7, BS2

Labcorp Genetics (formerly Invitae), Labcorp
Classification: Benign. Last evaluated: 2026-01-29. Review status: criteria provided, single submitter. Criteria: Invitae Variant Classification Sherloc (09022015). Collection method: clinical testing. Allele origin: germline.

Blueprint Genetics
Classification: Likely benign. Last evaluated: 2024-11-08. Review status: criteria provided, single submitter. Criteria: ACMG Guidelines, 2015. Collection method: clinical testing. Allele origin: germline.

Mayo Clinic Laboratories, Mayo Clinic
Classification: Benign. Last evaluated: 2023-07-06. Review status: criteria provided, single submitter. Criteria: ACMG Guidelines, 2015. Collection method: clinical testing. Allele origin: germline. Observed: 5 variant alleles.
Comment: BA1, BP4, BP7

Illumina Laboratory Services, Illumina
Classification: Likely benign for Leukoencephalopathy with vanishing white matter 1. Last evaluated: 2018-01-13. Review status: criteria provided, single submitter. Criteria: ICSL Variant Classification Criteria 13 December 2019. Collection method: clinical testing. Allele origin: germline.
Comment: This variant was observed in the ICSL laboratory as part of a predisposition screen in an ostensibly healthy population. It had not been previously curated by ICSL or reported in the Human Gene Mutation Database (HGMD: prior to June 1st, 2018), and was therefore a candidate for classification through an automated scoring system. Utilizing variant allele frequency, disease prevalence and penetrance estimates, and inheritance mode, an automated score was calculated to assess if this variant is too frequent to cause the disease. Based on the score and internal cut-off values, a variant classified as likely benign is not then subjected to further curation. The score for this variant resulted in a classification of likely benign for this disease.

Athena Diagnostics
Classification: Benign. Last evaluated: 2017-02-07. Review status: criteria provided, single submitter. Criteria: Athena Diagnostics Criteria. Collection method: clinical testing. Allele origin: germline.

PreventionGenetics, part of Exact Sciences
Classification: Benign for EIF2B4-related condition. Last evaluated: 2022-02-23. Review status: no assertion criteria provided. Collection method: clinical testing. Allele origin: germline. Not counted in ClinVar's aggregate classification.
Comment: This variant is classified as benign based on ACMG/AMP sequence variant interpretation guidelines (Richards et al. 2015 PMID: 25741868, with internal and published modifications).